The following continues an entry in ClinVar:

NM_000179.3(MSH6):c.650A>G (p.Asp217Gly)

Gene: MSH6. ClinVar aggregate classification (germline): Conflicting classifications of pathogenicity. Uncertain significance (7); Benign (2); Likely benign (6).

Submissions 11 to 17 of 17:

Sema4
Classification: Uncertain significance for Hereditary cancer-predisposing syndrome. Last evaluated: 2021-11-01. Review status: criteria provided, single submitter. Criteria: Sema4 Curation Guidelines. Collection method: curation. Allele origin: germline.
Comment: The MSH6 c.650A>G (p.D217G) variant has been reported in individuals with ovarian cancer, pediatric cancer, colorectal cancer and cutaneous melanoma (PMID: 23047549, 26580448, 28944238, 29684080). However, these reports do not provide clear evidence suppoting the association of the variant with disease. It was observed in 8/24824 chromosomes of the African/African American subpopulation in the large and broad cohorts of the Genome Aggregation Database (PMID: 32461654). The variant has been reported in ClinVar (Variation ID 142305). Functional studies have not been performed, and in silico predictions of the variant's effect on protein function are inconclusive. There is no indication that this variant causes disease, but the evidence is insufficient currently to prove that conclusively. Thus, the clinical significance of this variant is currently uncertain.

GeneDx
Classification: Likely benign. Last evaluated: 2021-02-01. Review status: criteria provided, single submitter. Criteria: GeneDx Variant Classification Process June 2021. Collection method: clinical testing. Allele origin: germline. Affected: yes.
Comment: This variant is associated with the following publications: (PMID: 23047549, 28944238)

Ambry Genetics
Classification: Likely benign for Hereditary cancer-predisposing syndrome. Last evaluated: 2020-07-20. Review status: criteria provided, single submitter. Criteria: Ambry Variant Classification Scheme 2023. Collection method: clinical testing. Allele origin: germline.

Genetic Services Laboratory, University of Chicago
Classification: Uncertain significance. Last evaluated: 2018-07-30. Review status: criteria provided, single submitter. Criteria: ACMG Guidelines, 2015. Collection method: clinical testing. Allele origin: germline. Affected: no.

Mendelics
Classification: Uncertain significance for Lynch syndrome. Last evaluated: 2018-07-02. Review status: criteria provided, single submitter. Criteria: Mendelics Assertion Criteria 2017. Collection method: clinical testing. Allele origin: unknown.

Counsyl
Classification: Uncertain significance for Lynch syndrome 5. Last evaluated: 2016-08-22. Review status: no assertion criteria provided. Collection method: clinical testing. Allele origin: unknown. Not counted in ClinVar's aggregate classification.

Department of Pathology and Laboratory Medicine, Sinai Health System
Classification: Uncertain significance for Malignant tumor of breast. Review status: no assertion criteria provided. Collection method: clinical testing. Allele origin: unknown. Affected: yes. Study: The Canadian Open Genetics Repository (COGR). Not counted in ClinVar's aggregate classification.
Comment: The MSH6 p.Asp217Gly variant was identified in 1 of 3786 proband chromosomes (frequency: 0.0003) from individuals or families with ovarian cancer (Pal 2012). The variant was also identified in dbSNP (ID: rs554012110) as With Uncertain significance allele, ClinVar (classified as uncertain significance by Ambry Genetics, GeneDx, Invitae, Counsyl), databases. The variant was not identified in the GeneInsight-COGR, Cosmic, MutDB, UMD-LSDB, Zhejiang Colon Cancer Database, Mismatch Repair Genes Variant Database, Insight Hereditary Tumors Database, databases. The variant was identified in control databases in 20 of 273722 chromosomes at a frequency of 0.00007 (Genome Aggregation Database Feb 27, 2017). Breakdown of the observations by population include African in 8 of 23898 chromosomes (freq: 0.0003), European Non-Finnish in 3 of 125846 chromosomes (freq: 0.00002), and South Asian in 9 of 30740 chromosomes (freq: 0.0003), while the variant was not observed in the Other, Latino, Ashkenazi Jewish, East Asian, European Finnish, populations. The p.Asp217 residue is not conserved in mammals and computational analyses (PolyPhen-2, SIFT, AlignGVGD, BLOSUM, MutationTaster) provide inconsistent predictions regarding the impact to the protein; this information is not very predictive of pathogenicity. The variant occurs outside of the splicing consensus sequence and 4 of 5 in silico or computational prediction software programs (SpliceSiteFinder, MaxEntScan, NNSPLICE, GeneSplicer, HumanSpliceFinder) predict a greater than 10% difference in splicing. However, this information is not predictive enough to assume pathogenicity. In summary, based on the above information, the clinical significance of this variant cannot be determined with certainty at this time. This variant is classified as a variant of uncertain significance.

Literature cited by the submitters: PubMed 23047549 (cited by 6 submitters); PubMed 26580448 (cited by 5 submitters); PubMed 28944238 (cited by 5 submitters); PubMed 35264596 (cited by Women's Health and Genetics/Laboratory Corporation of America, LabCorp and Quest Diagnostics Nichols Institute San Juan Capistrano); PubMed 35449176 (cited by Women's Health and Genetics/Laboratory Corporation of America, LabCorp and Quest Diagnostics Nichols Institute San Juan Capistrano); PubMed 36243179 (cited by Women's Health and Genetics/Laboratory Corporation of America, LabCorp and Quest Diagnostics Nichols Institute San Juan Capistrano); PubMed 32885271 (cited by Quest Diagnostics Nichols Institute San Juan Capistrano); PubMed 32832836 (cited by Quest Diagnostics Nichols Institute San Juan Capistrano); PubMed 29684080 (cited by 4 submitters); PubMed 33471991 (cited by Quest Diagnostics Nichols Institute San Juan Capistrano); PubMed 27363726 (cited by Myriad Genetics, Inc.).